The following is an entry in ClinVar:

ClinVar aggregate classification (germline): Uncertain significance. Review status: criteria provided, multiple submitters, no conflicts (2 of 4 stars). 2 submissions from 2 submitters: Uncertain significance (2). Last evaluated 2024-10-28.

Conditions:
Cryopyrin associated periodic syndrome (CAPS). Identifiers: Orphanet 208650, MedGen C2316212, MONDO:0016168.

Allele frequency attached by ClinVar (database versions not stated): 1000 Genomes Project 30x 0.00016; 1000 Genomes Project 0.00020.
gnomAD v4.1: 20 of 1,614,152 alleles (0.0012%); no homozygotes.

Submissions (2):

Blueprint Genetics
Classification: Uncertain significance. Last evaluated: 2024-10-28. Review status: criteria provided, single submitter. Criteria: ACMG Guidelines, 2015. Collection method: clinical testing. Allele origin: germline.

Labcorp Genetics (formerly Invitae), Labcorp
Classification: Uncertain significance for Cryopyrin associated periodic syndrome. Last evaluated: 2021-12-28. Review status: criteria provided, single submitter. Criteria: Invitae Variant Classification Sherloc (09022015). Collection method: clinical testing. Allele origin: germline.
Comment: In summary, the available evidence is currently insufficient to determine the role of this variant in disease. Therefore, it has been classified as a Variant of Uncertain Significance. Algorithms developed to predict the effect of sequence changes on RNA splicing suggest that this variant may create or strengthen a splice site. This variant has not been reported in the literature in individuals affected with NLRP3-related conditions. This variant is present in population databases (rs200089426, gnomAD 0.03%). This sequence change creates a premature translational stop signal (p.Tyr635*) in the NLRP3 gene. It is expected to result in an absent or disrupted protein product. However, the current clinical and genetic evidence is not sufficient to establish whether loss-of-function variants in NLRP3 cause disease.

NM_001243133.2(NLRP3):c.1899C>G (p.Tyr633Ter)

Gene: NLRP3 (NLR family pyrin domain containing 3; plus strand). Cytogenetic location: 1q44.
Variant type: single nucleotide variant.
Coding change: c.1899C>G on transcript NM_001243133.2 (MANE Select); coding-DNA position 1899, C replaced by G.
Protein change: p.Tyr633Ter; replaces tyrosine 633 with a stop codon.
Molecular consequence: nonsense.
Genome position (GRCh38, 1-based): chr1:247,425,348, C>G. VCF-style: chr1-247425348-C-G. GRCh37 (hg19) VCF-style: chr1-247588650-C-G.
Other names: c.1899C>G, p.Tyr633Ter (NM_001079821.3, NM_001127461.3, NM_001127462.3 and 1 more transcripts); c.1905C>G, p.Tyr635Ter (NM_004895.5); short protein forms Y633*, Y635*.
Identifiers: ClinVar variation 1485179 (VCV001485179.7), dbSNP rs200089426, ClinGen allele CA1495081.